The following is an entry in ClinVar:

ClinVar aggregate classification (germline): Conflicting classifications of pathogenicity. Review status: criteria provided, conflicting classifications (1 of 4 stars). 3 submissions from 3 submitters: Uncertain significance (2); Likely benign (1). Last evaluated 2025-05-07.

Conditions:
Spastic paraplegia. Identifiers: MedGen C0037772, HP:0001258.
Inborn genetic diseases. Identifiers: MedGen C0950123, MeSH D030342.

Allele frequency attached by ClinVar (database versions not stated): TOPMed 0.00002; ESP Exome Variant Server 0.00008.
gnomAD v4.1: 40 of 1,614,044 alleles (0.0025%); highest among the groups gnomAD compares: Non-Finnish European, 0.0029%; no homozygotes.

Submissions (3):

Ambry Genetics
Classification: Uncertain significance for Inborn genetic diseases. Last evaluated: 2025-05-07. Review status: criteria provided, single submitter. Criteria: Ambry Variant Classification Scheme 2023. Collection method: clinical testing. Allele origin: germline.

Labcorp Genetics (formerly Invitae), Labcorp
Classification: Uncertain significance for Spastic paraplegia. Last evaluated: 2021-09-02. Review status: criteria provided, single submitter. Criteria: Invitae Variant Classification Sherloc (09022015). Collection method: clinical testing. Allele origin: germline.
Comment: This sequence change replaces threonine with methionine at codon 1501 of the ZFYVE26 protein (p.Thr1501Met). The threonine residue is moderately conserved and there is a moderate physicochemical difference between threonine and methionine. This variant is present in population databases (rs201034965, ExAC 0.01%). This variant has not been reported in the literature in individuals affected with ZFYVE26-related conditions. Algorithms developed to predict the effect of missense changes on protein structure and function output the following: SIFT: "Tolerated"; PolyPhen-2: "Benign"; Align-GVGD: "Class C0". The methionine amino acid residue is found in multiple mammalian species, which suggests that this missense change does not adversely affect protein function. In summary, the available evidence is currently insufficient to determine the role of this variant in disease. Therefore, it has been classified as a Variant of Uncertain Significance.

GeneDx
Classification: Likely benign. Last evaluated: 2017-06-28. Review status: criteria provided, single submitter. Criteria: GeneDx Variant Classification (06012015). Collection method: clinical testing. Allele origin: germline. Affected: yes.
Comment: This variant is considered likely benign or benign based on one or more of the following criteria: it is a conservative change, it occurs at a poorly conserved position in the protein, it is predicted to be benign by multiple in silico algorithms, and/or has population frequency not consistent with disease.

NM_015346.4(ZFYVE26):c.4502C>T (p.Thr1501Met)

Gene: ZFYVE26 (zinc finger FYVE-type containing 26; minus strand). Cytogenetic location: 14q24.1.
Variant type: single nucleotide variant.
Coding change: c.4502C>T on transcript NM_015346.4 (MANE Select); coding-DNA position 4502, C replaced by T.
Protein change: p.Thr1501Met; replaces threonine 1501 with methionine.
Molecular consequence: missense variant.
Genome position (GRCh38, 1-based): chr14:67,781,400, G>A on the plus strand (C>T on the coding strand, the complement: ZFYVE26 is on the minus strand). VCF-style: chr14-67781400-G-A. GRCh37 (hg19) VCF-style: chr14-68248117-G-A.
Other names: short protein forms T1501M.
Identifiers: ClinVar variation 313894 (VCV000313894.10), dbSNP rs201034965, ClinGen allele CA7239753.
Genomic context (GRCh38, chr14:67,781,400, plus strand): 5'-TACACCTGCAGCTCCGCCAGCTTCCTCTGTAGCTCACACTTTAGTCCTTCTTGGACAGCC[G>A]TGTCTGAAATGCAGTAGGCCAGAATCTCCAGGCATGACTCCAGGGGCCACCTGTCCACAA-3'
Protein context (NP_056161.2, residues 1491-1511): LEILAYCISD[Thr1501Met]AVQEGLKCEL